The following is an entry in ClinVar:

NM_000070.3(CAPN3):c.1631C>T (p.Ser544Phe)

Gene: CAPN3 (calpain 3; plus strand). Cytogenetic location: 15q15.1.
Variant type: single nucleotide variant.
Coding change: c.1631C>T on transcript NM_000070.3 (MANE Select); coding-DNA position 1631, C replaced by T.
Protein change: p.Ser544Phe; replaces serine 544 with phenylalanine.
Molecular consequence: missense variant.
Genome position (GRCh38, 1-based): chr15:42,402,888, C>T. VCF-style: chr15-42402888-C-T. GRCh37 (hg19) VCF-style: chr15-42695086-C-T.
Other names: c.1631C>T (NM_000070.2); c.1631C>T, p.Ser544Phe (NM_024344.2); c.1487C>T, p.Ser496Phe (NM_173087.2); c.95C>T, p.Ser32Phe (NM_173088.2); c.*747C>T (NM_212464.2); c.*1324C>T (NM_212467.2); short protein forms S496F, S544F, S32F.
Identifiers: ClinVar variation 2104729 (VCV002104729.7), dbSNP rs2548279369, ClinGen allele CA392000280.

ClinVar aggregate classification (germline): Uncertain significance. Review status: criteria provided, multiple submitters, no conflicts (2 of 4 stars). 2 submissions from 2 submitters: Uncertain significance (2). Last evaluated 2022-02-28.

Conditions:
Autosomal recessive limb-girdle muscular dystrophy type 2A (LGMDR1). Also called: Muscular dystrophy, limb-girdle, type 2A, Amish; LEYDEN-MOEBIUS MUSCULAR DYSTROPHY; MUSCULAR DYSTROPHY, PELVOFEMORAL; Limb-girdle muscular dystrophy, type 2A; Calpainopathy. Identifiers: Orphanet 267, MedGen C1869123, MONDO:0009675, OMIM 253600. Disease mechanism: loss of function.

Submissions (2):

Labcorp Genetics (formerly Invitae), Labcorp
Classification: Uncertain significance for Autosomal recessive limb-girdle muscular dystrophy type 2A. Last evaluated: 2022-02-28. Review status: criteria provided, single submitter. Criteria: Invitae Variant Classification Sherloc (09022015). Collection method: clinical testing. Allele origin: germline.
Comment: This sequence change replaces serine, which is neutral and polar, with phenylalanine, which is neutral and non-polar, at codon 544 of the CAPN3 protein (p.Ser544Phe). This variant is not present in population databases (gnomAD no frequency). In summary, the available evidence is currently insufficient to determine the role of this variant in disease. Therefore, it has been classified as a Variant of Uncertain Significance. Advanced modeling of protein sequence and biophysical properties (such as structural, functional, and spatial information, amino acid conservation, physicochemical variation, residue mobility, and thermodynamic stability) performed at Invitae indicates that this missense variant is expected to disrupt CAPN3 protein function. This variant has not been reported in the literature in individuals affected with CAPN3-related conditions.

Revvity Omics, Revvity
Classification: Uncertain significance. Last evaluated: 2020-02-20. Review status: criteria provided, single submitter. Criteria: ACMG Guidelines, 2015. Collection method: clinical testing. Allele origin: germline.